The following is an entry in ClinVar:

ClinVar aggregate classification (germline): Uncertain significance (1 of 4 stars; one submission).

Submission:

Labcorp Genetics (formerly Invitae), Labcorp
Classification: Uncertain significance. Last evaluated: 2024-01-17. Review status: criteria provided, single submitter. Criteria: Invitae Variant Classification Sherloc (09022015). Collection method: clinical testing. Allele origin: germline.
Comment: This variant occurs in the RNU4ATAC gene, which encodes an RNA molecule that does not result in a protein product. Information on the frequency of this variant in the gnomAD database is not available, as this variant may be reported differently in the database. This variant has not been reported in the literature in individuals affected with RNU4ATAC-related conditions. ClinVar contains an entry for this variant (Variation ID: 1498575). Experimental studies and prediction algorithms are not available or were not evaluated, and the functional significance of this variant is currently unknown. In summary, the available evidence is currently insufficient to determine the role of this variant in disease. Therefore, it has been classified as a Variant of Uncertain Significance.

NC_000002.12:g.121530885_121530886delinsAT

Genes: CLASP1 (cytoplasmic linker associated protein 1; minus strand), CLASP1-AS1 (CLASP1 antisense RNA 1; plus strand), RNU4ATAC (RNA, U4atac small nuclear; plus strand). Cytogenetic location: 2q14.2.
Variant type: Indel.
Molecular consequence: intron variant (on NM_001395891.1).
Genome position: GRCh38 VCF-style: chr2-121530885-TC-AT. GRCh37 (hg19) VCF-style: chr2-122288461-TC-AT.
Other names: c.196-561_196-560delinsAT (NM_001378005.1, NM_001142274.2, NM_015282.3 and 5 more transcripts).
Identifiers: ClinVar variation 1498575 (VCV001498575.6), dbSNP rs2104768325, ClinGen allele CA2573133150.